The following is an entry in ClinVar:

NM_000384.3(APOB):c.12226A>G (p.Lys4076Glu)

Gene: APOB (apolipoprotein B; minus strand). Cytogenetic location: 2p24.1.
Variant type: single nucleotide variant.
Coding change: c.12226A>G on transcript NM_000384.3 (MANE Select); coding-DNA position 12226, A replaced by G.
Protein change: p.Lys4076Glu; replaces lysine 4076 with glutamic acid.
Molecular consequence: missense variant.
Genome position (GRCh38, 1-based): chr2:21,003,196, T>C on the plus strand (A>G on the coding strand, the complement: APOB is on the minus strand). VCF-style: chr2-21003196-T-C. GRCh37 (hg19) VCF-style: chr2-21226068-T-C.
Other names: short protein forms K4076E.
Identifiers: ClinVar variation 1753344 (VCV001753344.3), dbSNP rs2465351120, ClinGen allele CA345972054.

ClinVar aggregate classification (germline): Uncertain significance. Review status: criteria provided, multiple submitters, no conflicts (2 of 4 stars). 2 submissions from 2 submitters: Uncertain significance (2). Last evaluated 2024-01-22.

Conditions:
Cardiovascular phenotype. Identifiers: MedGen CN230736.

Submissions (2):

Quest Diagnostics Nichols Institute San Juan Capistrano
Classification: Uncertain significance. Last evaluated: 2024-01-22. Review status: criteria provided, single submitter. Criteria: Quest Diagnostics criteria. Collection method: clinical testing. Allele origin: unknown.
Comment: The APOB c.12226A>G (p.Lys4076Glu) variant has not been reported in individuals with APOB-related conditions in the published literature. It also has not been reported in large, multi-ethnic general populations (Genome Aggregation Database). Analysis of this variant using bioinformatics tools for the prediction of the effect of amino acid changes on protein structure and function yielded predictions that this variant is benign. Based on the available information, we are unable to determine the clinical significance of this variant.

Ambry Genetics
Classification: Uncertain significance for Cardiovascular phenotype. Last evaluated: 2018-12-03. Review status: criteria provided, single submitter. Criteria: Ambry Variant Classification Scheme 2023. Collection method: clinical testing. Allele origin: germline.
Comment: The p.K4076E variant (also known as c.12226A>G), located in coding exon 29 of the APOB gene, results from an A to G substitution at nucleotide position 12226. The lysine at codon 4076 is replaced by glutamic acid, an amino acid with similar properties. This amino acid position is not well conserved in available vertebrate species. In addition, this alteration is predicted to be tolerated by in silico analysis. Since supporting evidence is limited at this time, the clinical significance of this alteration remains unclear.